The following is an entry in ClinVar:

NM_001376.5(DYNC1H1):c.1279T>C (p.Tyr427His)

Gene: DYNC1H1 (dynein cytoplasmic 1 heavy chain 1; plus strand). Cytogenetic location: 14q32.31.
Variant type: single nucleotide variant.
Coding change: c.1279T>C on transcript NM_001376.5 (MANE Select); coding-DNA position 1279, T replaced by C.
Protein change: p.Tyr427His; replaces tyrosine 427 with histidine.
Molecular consequence: missense variant.
Genome position (GRCh38, 1-based): chr14:101,983,427, T>C. VCF-style: chr14-101983427-T-C. GRCh37 (hg19) VCF-style: chr14-102449764-T-C.
Other names: short protein forms Y427H.
Identifiers: ClinVar variation 5020785 (VCV005020785.1).

ClinVar aggregate classification (germline): Uncertain significance (1 of 4 stars; one submission).

Submission:

Dasa
Classification: Uncertain significance. Last evaluated: 2025-11-27. Review status: criteria provided, single submitter. Criteria: DASA Assertion Criteria. Collection method: clinical testing. Allele origin: germline.
Comment: NM_001376.5(DYNC1H1):c.1279T>C (p.Tyr427His) is a missense variant that results in the substitution of tyrosine with histidine. This variant is rare in population databases. The currently available literature and clinical evidence are not sufficient to establish a definitive association between this variant and the reported condition. Therefore, this variant is classified as a variant of uncertain significance.